The following is an entry in ClinVar:

ClinVar aggregate classification (germline): Uncertain significance (1 of 4 stars; one submission).

Conditions:
Emery-Dreifuss muscular dystrophy (EDMD). Also called: Scapuloperoneal syndrome, X-linked (formerly); Humeroperoneal neuromuscular disease, (formerly). Identifiers: Orphanet 261, MedGen C0410189, MONDO:0016830.

Allele frequency attached by ClinVar (database versions not stated): TOPMed below 0.00001; ExAC 0.00002.
gnomAD v4.1: 6 of 1,606,218 alleles (0.00037%); highest among the groups gnomAD compares: South Asian, 0.0011%; no homozygotes.

Submission:

Labcorp Genetics (formerly Invitae), Labcorp
Classification: Uncertain significance for Emery-Dreifuss muscular dystrophy. Last evaluated: 2024-12-03. Review status: criteria provided, single submitter. Criteria: Invitae Variant Classification Sherloc (09022015). Collection method: clinical testing. Allele origin: germline.
Comment: This sequence change creates a premature translational stop signal (p.Arg589*) in the SUN2 gene. It is expected to result in an absent or disrupted protein product. However, the current clinical and genetic evidence is not sufficient to establish whether loss-of-function variants in SUN2 cause disease. This variant is present in population databases (rs775697034, gnomAD 0.007%). This variant has not been reported in the literature in individuals affected with SUN2-related conditions. ClinVar contains an entry for this variant (Variation ID: 3008954). In summary, the available evidence is currently insufficient to determine the role of this variant in disease. Therefore, it has been classified as a Variant of Uncertain Significance.

NM_015374.3(SUN2):c.1765C>T (p.Arg589Ter)

Genes: SUN2 (Sad1 and UNC84 domain containing 2; minus strand), GTPBP1 (GTP binding protein 1; plus strand). Cytogenetic location: 22q13.1.
Variant type: single nucleotide variant.
Coding change: c.1765C>T on transcript NM_015374.3 (MANE Select); coding-DNA position 1765, C replaced by T.
Protein change: p.Arg589Ter; replaces arginine 589 with a stop codon.
Molecular consequence: nonsense.
Genome position (GRCh38, 1-based): chr22:38,738,887, G>A on the plus strand (C>T on the coding strand, the complement: SUN2 is on the minus strand). VCF-style: chr22-38738887-G-A. GRCh37 (hg19) VCF-style: chr22-39134892-G-A.
Other names: c.1762C>T, p.Arg588Ter (NM_001394437.1, NM_001394436.1); c.1675C>T, p.Arg559Ter (NM_001394438.1); c.1627C>T, p.Arg543Ter (NM_001394439.1, NM_001394440.1, NM_001394441.1); c.1366C>T, p.Arg456Ter (NM_001394442.1); c.1273C>T, p.Arg425Ter (NM_001394443.1); c.1189C>T, p.Arg397Ter (NM_001394444.1, NM_001394445.1); c.1828C>T, p.Arg610Ter (NM_001199579.2, NM_001394428.1); c.1765C>T, p.Arg589Ter (NM_001199580.2, NM_001394431.1, NM_001394432.1 and 3 more transcripts); and 2 more; short protein forms R588*, R397*, R425*, R456*, R543*, R604*, R589*, R610*.
Identifiers: ClinVar variation 3008954 (VCV003008954.3), dbSNP rs775697034, ClinGen allele CA10235438.